The following is an entry in ClinVar:

ClinVar aggregate classification (germline): Uncertain significance (1 of 4 stars; one submission).

Submission:

Labcorp Genetics (formerly Invitae), Labcorp
Classification: Uncertain significance. Last evaluated: 2025-08-06. Review status: criteria provided, single submitter. Criteria: Invitae Variant Classification Sherloc (09022015). Collection method: clinical testing. Allele origin: germline.
Comment: This sequence change replaces proline, which is neutral and non-polar, with arginine, which is basic and polar, at codon 2154 of the POLE protein (p.Pro2154Arg). This variant is not present in population databases (gnomAD no frequency). This variant has not been reported in the literature in individuals affected with POLE-related conditions. ClinVar contains an entry for this variant (Variation ID: 1518182). Invitae Evidence Modeling of protein sequence and biophysical properties (such as structural, functional, and spatial information, amino acid conservation, physicochemical variation, residue mobility, and thermodynamic stability) indicates that this missense variant is not expected to disrupt POLE protein function with a negative predictive value of 80%. In summary, the available evidence is currently insufficient to determine the role of this variant in disease. Therefore, it has been classified as a Variant of Uncertain Significance.

NM_006231.4(POLE):c.6461C>G (p.Pro2154Arg)

Gene: POLE (DNA polymerase epsilon, catalytic subunit; minus strand). Cytogenetic location: 12q24.33.
Variant type: single nucleotide variant.
Coding change: c.6461C>G on transcript NM_006231.4 (MANE Select); coding-DNA position 6461, C replaced by G.
Protein change: p.Pro2154Arg; replaces proline 2154 with arginine.
Molecular consequence: missense variant.
Genome position (GRCh38, 1-based): chr12:132,626,187, G>C on the plus strand (C>G on the coding strand, the complement: POLE is on the minus strand). VCF-style: chr12-132626187-G-C. GRCh37 (hg19) VCF-style: chr12-133202773-G-C.
Other names: short protein forms P2154R.
Identifiers: ClinVar variation 1518182 (VCV001518182.8), dbSNP rs2041834844, ClinGen allele CA387367450.